The following is an entry in ClinVar:

NM_001429.4(EP300):c.746A>T (p.Asn249Ile)

Gene: EP300 (EP300 lysine acetyltransferase; plus strand). Cytogenetic location: 22q13.2.
Variant type: single nucleotide variant.
Coding change: c.746A>T on transcript NM_001429.4 (MANE Select); coding-DNA position 746, A replaced by T.
Protein change: p.Asn249Ile; replaces asparagine 249 with isoleucine.
Molecular consequence: missense variant.
Genome position (GRCh38, 1-based): chr22:41,125,880, A>T. VCF-style: chr22-41125880-A-T. GRCh37 (hg19) VCF-style: chr22-41521884-A-T.
Other names: c.746A>T, p.Asn249Ile (NM_001362843.2); short protein forms N249I.
Identifiers: ClinVar variation 1313391 (VCV001313391.5), dbSNP rs200732771, ClinGen allele CA411683113.
Genomic context (GRCh38, chr22:41,125,880, plus strand): 5'-AAATTTTATTGCTTATTTTGTTTTCTTTTGTTTCTTACTCTTAGATGGGAATGATGAACA[A>T]CCCCAATCCTTATGGTTCACCATATACTCAGAATCCTGGACAGCAGATTGGAGCCAGTGG-3'
Protein context (NP_001420.2, residues 239-259): PQPLKMGMMN[Asn249Ile]PNPYGSPYTQ

ClinVar aggregate classification (germline): Uncertain significance. Review status: criteria provided, multiple submitters, no conflicts (2 of 4 stars). 2 submissions from 2 submitters: Uncertain significance (2). Last evaluated 2023-04-29.

Conditions:
Rubinstein-Taybi syndrome due to EP300 haploinsufficiency. Also called: RUBINSTEIN-TAYBI SYNDROME 2; EP300-Related Rubinstein-Taybi Syndrome. Identifiers: Orphanet 353284, Orphanet 783, MedGen C3150941, MONDO:0013364, OMIM 613684.

gnomAD v4.1: 2 of 1,614,032 alleles (0.00012%); no homozygotes.

Submissions (2):

Labcorp Genetics (formerly Invitae), Labcorp
Classification: Uncertain significance for Rubinstein-Taybi syndrome due to EP300 haploinsufficiency. Last evaluated: 2023-04-29. Review status: criteria provided, single submitter. Criteria: Invitae Variant Classification Sherloc (09022015). Collection method: clinical testing. Allele origin: germline.
Comment: In summary, the available evidence is currently insufficient to determine the role of this variant in disease. Therefore, it has been classified as a Variant of Uncertain Significance. This sequence change replaces asparagine, which is neutral and polar, with isoleucine, which is neutral and non-polar, at codon 249 of the EP300 protein (p.Asn249Ile). Advanced modeling of protein sequence and biophysical properties (such as structural, functional, and spatial information, amino acid conservation, physicochemical variation, residue mobility, and thermodynamic stability) performed at Invitae indicates that this missense variant is not expected to disrupt EP300 protein function. ClinVar contains an entry for this variant (Variation ID: 1313391). This variant has not been reported in the literature in individuals affected with EP300-related conditions. This variant is not present in population databases (gnomAD no frequency).

GeneDx
Classification: Uncertain significance. Last evaluated: 2020-10-22. Review status: criteria provided, single submitter. Criteria: GeneDx Variant Classification Process June 2021. Collection method: clinical testing. Allele origin: germline. Affected: yes.
Comment: In silico analysis supports that this missense variant has a deleterious effect on protein structure/function; Has not been previously published as pathogenic or benign to our knowledge